The following is an entry in ClinVar:

ClinVar aggregate classification (germline): Pathogenic/Likely pathogenic. Review status: criteria provided, multiple submitters, no conflicts (2 of 4 stars). 4 submissions from 4 submitters: Pathogenic (2); Likely pathogenic (2). Last evaluated 2025-09-09.

Conditions:
CEP290-related ciliopathy. Also called: CEP290 ciliopathy. Identifiers: MedGen CN305601, MONDO:0100451.
Joubert syndrome 5 (JBTS5). Identifiers: Orphanet 2318, MedGen C1857780, MONDO:0012432, OMIM 610188.
Bardet-Biedl syndrome 14 (BBS14). Identifiers: Orphanet 110, MedGen C2673874, MONDO:0014442, OMIM 615991.
Meckel-Gruber syndrome. Also called: Dysencephalia splachnocystica; DYSENCEPHALIA SPLANCHNOCYSTICA; GRUBER SYNDROME. Identifiers: Orphanet 564, MedGen C0265215, MONDO:0018921.
Joubert syndrome. Also called: JOUBERT-BOLTSHAUSER SYNDROME; Familial aplasia of the vermis. Identifiers: Orphanet 475, MedGen C5979921, MONDO:0018772.
Nephronophthisis. Also called: Juvenile Nephronophthisis. Identifiers: Orphanet 655, MedGen C0687120, MONDO:0019005, HP:0000090.

Allele frequency attached by ClinVar (database versions not stated): gnomAD exomes below 0.00001.

Submissions (4):

Myriad Genetics, Inc.
Classification: Pathogenic for CEP290-related ciliopathy. Last evaluated: 2025-09-09. Review status: criteria provided, single submitter. Criteria: Myriad Autosomal Dominant, Autosomal Recessive and X-Linked Classification Criteria (2023). Collection method: clinical testing. Allele origin: unknown.
Comment: NM_025114.3(CEP290):c.2510delC(S837Lfs*4) is expected to be pathogenic in the context of CEP290-related disorders. This variant is predicted to lead to an abnormal or absent protein product due to the creation of a premature termination codon in CEP290, a gene where loss-of-function variants are known to be pathogenic. Please note: this variant was assessed in the context of healthy population screening.

Labcorp Genetics (formerly Invitae), Labcorp
Classification: Pathogenic for Joubert syndrome; Meckel-Gruber syndrome; Nephronophthisis. Last evaluated: 2024-02-06. Review status: criteria provided, single submitter. Criteria: Invitae Variant Classification Sherloc (09022015). Collection method: clinical testing. Allele origin: germline.
Comment: This sequence change creates a premature translational stop signal (p.Ser837Leufs*4) in the CEP290 gene. It is expected to result in an absent or disrupted protein product. Loss-of-function variants in CEP290 are known to be pathogenic (PMID: 16909394, 17345604, 20690115). This variant is present in population databases (no rsID available, gnomAD 0.004%). This variant has not been reported in the literature in individuals affected with CEP290-related conditions. For these reasons, this variant has been classified as Pathogenic.

Baylor Genetics
Classification: Likely pathogenic for Bardet-Biedl syndrome 14. Last evaluated: 2024-01-25. Review status: criteria provided, single submitter. Criteria: ACMG Guidelines, 2015. Collection method: clinical testing. Allele origin: unknown.

3billion
Classification: Likely pathogenic for Joubert syndrome 5. Last evaluated: 2023-09-01. Review status: criteria provided, single submitter. Criteria: ACMG Guidelines, 2015. Collection method: clinical testing. Allele origin: germline. Affected: yes.
Comment: The variant is observed at an extremely low frequency in the gnomAD v2.1.1 dataset (total allele frequency: 0.001%). Predicted Consequence/Location: Frameshift: predicted to result in a loss or disruption of normal protein function through nonsense-mediated decay (NMD) or protein truncation. Multiple pathogenic variants are reported downstream of the variant. Therefore, this variant is classified as Likely pathogenic according to the recommendation of ACMG/AMP guideline.

Literature cited by the submitters: PubMed 16909394 (cited by Labcorp Genetics (formerly Invitae), Labcorp); PubMed 17345604 (cited by Labcorp Genetics (formerly Invitae), Labcorp); PubMed 20690115 (cited by Labcorp Genetics (formerly Invitae), Labcorp).

NM_025114.4(CEP290):c.2510del (p.Ser837fs)

Gene: CEP290 (centrosomal protein 290; minus strand). Cytogenetic location: 12q21.32.
Variant type: Deletion.
Coding change: c.2510del on transcript NM_025114.4 (MANE Select); coding-DNA position 2510, one base deleted (C; older notation c.2510delC).
Protein change: p.Ser837fs; shifts the reading frame from serine 837.
Molecular consequence: frameshift variant.
Genome position (GRCh38, 1-based): chr12:88,107,072, G deleted on the plus strand (C on the coding strand, the reverse complement: CEP290 is on the minus strand). VCF-style (leftmost placement, unchanged base first): chr12-88107071-AG-A. GRCh37 (hg19) VCF-style: chr12-88500848-AG-A.
Other names: short protein forms S837fs.
Identifiers: ClinVar variation 2680631 (VCV002680631.6), dbSNP rs1345613057, ClinGen allele CA606675749.